The following is an entry in ClinVar:

NM_000166.6(GJB1):c.99_103dup (p.Val35fs)

Gene: GJB1 (gap junction protein beta 1; plus strand). Cytogenetic location: Xq13.1.
Variant type: Duplication.
Coding change: c.99_103dup on transcript NM_000166.6 (MANE Select); coding-DNA positions 99 to 103, 5 bases duplicated (CATGG; older notation c.99_103dupCATGG).
Protein change: p.Val35fs; shifts the reading frame from valine 35.
Molecular consequence: frameshift variant.
Genome position (GRCh38, 1-based): chrX:71,223,806-71,223,810, CATGG duplicated. VCF-style (leftmost placement, unchanged base first): chrX-71223805-T-TCATGG. GRCh37 (hg19) VCF-style: chrX-70443655-T-TCATGG.
Other names: c.99_103dup, p.Val35fs (NM_001097642.3); short protein forms V35fs.
Identifiers: ClinVar variation 653090 (VCV000653090.9), dbSNP rs1602348726, ClinGen allele CA915951175.

ClinVar aggregate classification (germline): Pathogenic. Review status: criteria provided, multiple submitters, no conflicts (2 of 4 stars). 2 submissions from 2 submitters: Pathogenic (2). Last evaluated 2022-06-03.

Conditions:
Charcot-Marie-Tooth Neuropathy X. Identifiers: MedGen CN118851.

Submissions (2):

Labcorp Genetics (formerly Invitae), Labcorp
Classification: Pathogenic for Charcot-Marie-Tooth Neuropathy X. Last evaluated: 2022-06-03. Review status: criteria provided, single submitter. Criteria: Invitae Variant Classification Sherloc (09022015). Collection method: clinical testing. Allele origin: germline.
Comment: For these reasons, this variant has been classified as Pathogenic. This variant disrupts a region of the GJB1 protein in which other variant(s) (p.Arg220*) have been determined to be pathogenic (PMID: 7477983, 8162049, 9364054, 21291455). This suggests that this is a clinically significant region of the protein, and that variants that disrupt it are likely to be disease-causing. ClinVar contains an entry for this variant (Variation ID: 653090). This variant has not been reported in the literature in individuals affected with GJB1-related conditions. This variant is not present in population databases (gnomAD no frequency). This sequence change creates a premature translational stop signal (p.Val35Alafs*51) in the GJB1 gene. While this is not anticipated to result in nonsense mediated decay, it is expected to disrupt the last 249 amino acid(s) of the GJB1 protein.

GeneDx
Classification: Pathogenic. Last evaluated: 2018-09-21. Review status: criteria provided, single submitter. Criteria: GeneDx Variant Classification (06012015). Collection method: clinical testing. Allele origin: germline. Affected: yes.
Comment: The c.99_103dupCATGG pathogenic variant in the GJB1 gene causes a frameshift starting with codon Valine 35, changes this amino acid to an Alanine residue and creates a premature Stop codon at position 51 of the new reading frame, denoted p.Val35AlafsX51. This pathogenic variant is predicted to cause loss of normal protein function through protein truncation as the last 249 amino acids are replaced with 50 aberrant residues. This variant is not observed in large population cohorts (Lek et al., 2016).

Literature cited by the submitters: PubMed 7477983 (cited by Labcorp Genetics (formerly Invitae), Labcorp); PubMed 8162049 (cited by Labcorp Genetics (formerly Invitae), Labcorp); PubMed 9364054 (cited by Labcorp Genetics (formerly Invitae), Labcorp); PubMed 21291455 (cited by Labcorp Genetics (formerly Invitae), Labcorp).